The following is an entry in ClinVar:

ClinVar aggregate classification (germline): Conflicting classifications of pathogenicity. Review status: criteria provided, conflicting classifications (1 of 4 stars). 2 submissions from 2 submitters: Likely pathogenic (1); Uncertain significance (1). Last evaluated 2024-05-21.

Conditions:
Epidermolysis bullosa dystrophica. Also called: Dystrophic epidermolysis bullosa; Dystrophic epidermolysis bullosa, Hallopeau-Siemens type (formerly). Identifiers: Orphanet 303, MedGen C0079294, MONDO:0006543.
Generalized dominant dystrophic epidermolysis bullosa (DDEB). Also called: DYSTROPHIC EPIDERMOLYSIS BULLOSA, AUTOSOMAL DOMINANT; Epidermolysis bullosa dystrophica, autosomal dominant; DDEB, generalized; DDEB-gen; Dominant DEB (DDEB). Identifiers: Orphanet 231568, MedGen C0432322, MONDO:0007549, OMIM 131750.

Submissions (2):

Natera, Inc.
Classification: Likely pathogenic for Dystrophic epidermolysis bullosa. Last evaluated: 2024-05-21. Review status: criteria provided, single submitter. Criteria: Natera Variant Classification Schema (03/2026). Collection method: clinical testing. Allele origin: germline.
Comment: The c.5772G>A variant in COL7A1 is a synonymous variant that does not alter the encoded amino acid at position 1924 (p.Q1924=). This variant is rare in the general population with a frequency below the threshold expected for the associated phenotype(s). This variant has been observed in affected individual(s) with monoallelic occurrence (heterozygous/hemizygous) (PMID: 35979658). Computational prediction algorithms indicate this variant is likely to affect gene or protein function. Given the available evidence, this variant is classified as Likely Pathogenic.

Center for Research in Genodermatoses and Epidermolysis Bullosa, University of Buenos Aires
Classification: Uncertain significance for Generalized dominant dystrophic epidermolysis bullosa. Last evaluated: 2022-03-14. Review status: criteria provided, single submitter. Criteria: ACMG Guidelines, 2015. Collection method: clinical testing. Allele origin: germline. Affected: yes. Observed: 2 variant alleles, 2 heterozygotes.

Literature cited by the submitters: PubMed 35979658 (cited by Natera, Inc. and Center for Research in Genodermatoses and Epidermolysis Bullosa, University of Buenos Aires).

NM_000094.4(COL7A1):c.5772G>A (p.Gln1924=)

Gene: COL7A1 (collagen type VII alpha 1 chain; minus strand). Cytogenetic location: 3p21.31.
Variant type: single nucleotide variant.
Coding change: c.5772G>A on transcript NM_000094.4 (MANE Select); coding-DNA position 5772, G replaced by A.
Protein change: p.Gln1924=; no amino-acid change (glutamine 1924 retained).
Molecular consequence: synonymous variant.
Genome position (GRCh38, 1-based): chr3:48,576,400, C>T on the plus strand (G>A on the coding strand, the complement: COL7A1 is on the minus strand). VCF-style: chr3-48576400-C-T. GRCh37 (hg19) VCF-style: chr3-48613833-C-T.
Identifiers: ClinVar variation 1676644 (VCV001676644.2), dbSNP rs2107680234, ClinGen allele CA433538308.